The following is an entry in ClinVar:

NM_005431.2(XRCC2):c.444G>C (p.Leu148Phe)

Gene: XRCC2 (X-ray repair cross complementing 2; minus strand). Cytogenetic location: 7q36.1.
Variant type: single nucleotide variant.
Coding change: c.444G>C on transcript NM_005431.2 (MANE Select); coding-DNA position 444, G replaced by C.
Protein change: p.Leu148Phe; replaces leucine 148 with phenylalanine.
Molecular consequence: missense variant.
Genome position (GRCh38, 1-based): chr7:152,649,041, C>G on the plus strand (G>C on the coding strand, the complement: XRCC2 is on the minus strand). VCF-style: chr7-152649041-C-G. GRCh37 (hg19) VCF-style: chr7-152346126-C-G.
Other names: short protein forms L148F.
Identifiers: ClinVar variation 4558470 (VCV004558470.1).
Genomic context (GRCh38, chr7:152,649,041, plus strand): 5'-TAAGTTCACACTTTCTCCTCCATTGACGCGGTCTATCCAGTAAAAAGCTGACAGGCTATC[C>G]AAAATCAAAAGGCAGAGAGATGGGTGACTACAAAACATACTTTCTAGTGAGTAAAGTGTA-3'
Protein context (NP_005422.1, residues 138-158): CSHPSLCLLI[Leu148Phe]DSLSAFYWID

ClinVar aggregate classification (germline): Uncertain significance (1 of 4 stars; one submission).

Conditions:
Hereditary cancer-predisposing syndrome. Also called: Tumor predisposition; Hereditary Cancer Syndrome; Hereditary neoplastic syndrome; Neoplastic Syndromes, Hereditary. Identifiers: Orphanet 140162, MedGen C0027672, MeSH D009386, MONDO:0015356.

Submission:

Ambry Genetics
Classification: Uncertain significance for Hereditary cancer-predisposing syndrome. Last evaluated: 2025-10-09. Review status: criteria provided, single submitter. Criteria: Ambry Variant Classification Scheme 2023. Collection method: clinical testing. Allele origin: germline.
Comment: The p.L148F variant (also known as c.444G>C), located in coding exon 3 of the XRCC2 gene, results from a G to C substitution at nucleotide position 444. The leucine at codon 148 is replaced by phenylalanine, an amino acid with highly similar properties. This amino acid position is conserved. In addition, this alteration is predicted to be tolerated by in silico analysis. Based on the available evidence, the clinical significance of this variant remains unclear.